The following is an entry in ClinVar:

NM_004360.5(CDH1):c.1371G>A (p.Thr457=)

Gene: CDH1 (cadherin 1; plus strand). Cytogenetic location: 16q22.1.
Variant type: single nucleotide variant.
Coding change: c.1371G>A on transcript NM_004360.5 (MANE Select); coding-DNA position 1371, G replaced by A.
Protein change: p.Thr457=; no amino-acid change (threonine 457 retained).
Molecular consequence: synonymous variant. On other transcripts: 5 prime UTR variant (2).
Genome position (GRCh38, 1-based): chr16:68,815,565, G>A. VCF-style: chr16-68815565-G-A. GRCh37 (hg19) VCF-style: chr16-68849468-G-A.
Other names: c.1188G>A, p.Thr396= (NM_001317184.2); c.-178G>A (NM_001317185.2); c.-449G>A (NM_001317186.2); c.1371G>A (LRG_301t1, NM_004360.4).
Identifiers: ClinVar variation 384963 (VCV000384963.26), dbSNP rs370368644, ClinGen allele CA8130073.

ClinVar aggregate classification (germline): Benign/Likely benign. Review status: criteria provided, multiple submitters, no conflicts (2 of 4 stars). 9 submissions from 8 submitters: Benign (2); Likely benign (6). 1 of the submissions does not count toward it. Last evaluated 2025-12-21.

Conditions:
Prostate cancer. Also called: Malignant tumor of prostate. Identifiers: Orphanet 1331, MedGen C0376358, MONDO:0008315, HP:0012125.
CDH1-related disorder. Also called: CDH1-related condition.
Hereditary cancer-predisposing syndrome. Also called: Neoplastic Syndromes, Hereditary; Hereditary Cancer Syndrome; Hereditary neoplastic syndrome; Tumor predisposition. Identifiers: Orphanet 140162, MedGen C0027672, MeSH D009386, MONDO:0015356.
Hereditary diffuse gastric adenocarcinoma (HDGC). Also called: DIFFUSE GASTRIC AND LOBULAR BREAST CANCER SYNDROME. Identifiers: Orphanet 26106, MedGen C1708349, MONDO:0007648, OMIM 137215.

Allele frequency attached by ClinVar (database versions not stated): ExAC 0.00001; TOPMed 0.00002; ESP Exome Variant Server 0.00008; gnomAD exomes 0.00001; gnomAD 0.00003.
gnomAD v4.1: 13 of 1,614,088 alleles (0.00081%); highest among the groups gnomAD compares: African/African-American, 0.008%; no homozygotes.

Submissions (9):

Labcorp Genetics (formerly Invitae), Labcorp
Classification: Likely benign for Hereditary diffuse gastric adenocarcinoma. Last evaluated: 2025-12-21. Review status: criteria provided, single submitter. Criteria: Invitae Variant Classification Sherloc (09022015). Collection method: clinical testing. Allele origin: germline.

KCCC/NGS Laboratory, Kuwait Cancer Control Center
Classification: Benign for Hereditary diffuse gastric adenocarcinoma. Last evaluated: 2025-02-01. Review status: criteria provided, single submitter. Criteria: ACMG Guidelines, 2015. Collection method: clinical testing. Allele origin: germline. Affected: no.

Myriad Genetics, Inc.
Classification: Benign for Hereditary diffuse gastric adenocarcinoma. Last evaluated: 2024-09-18. Review status: criteria provided, single submitter. Criteria: Myriad Autosomal Dominant, Autosomal Recessive and X-Linked Classification Criteria (2023). Collection method: clinical testing. Allele origin: unknown.
Comment: This variant is considered benign. This variant is a silent/synonymous amino acid change and it is not expected to impact splicing.

KCCC/NGS Laboratory, Kuwait Cancer Control Center
Classification: Likely benign for Familial prostate cancer. Last evaluated: 2023-07-07. Review status: criteria provided, single submitter. Criteria: ACMG Guidelines, 2015. Collection method: clinical testing. Allele origin: germline. Affected: yes.

Women's Health and Genetics/Laboratory Corporation of America, LabCorp
Classification: Likely benign. Last evaluated: 2023-01-06. Review status: criteria provided, single submitter. Criteria: LabCorp Variant Classification Summary - May 2015. Collection method: clinical testing. Allele origin: germline.

GeneDx
Classification: Likely benign. Last evaluated: 2017-10-27. Review status: criteria provided, single submitter. Criteria: GeneDx Variant Classification (06012015). Collection method: clinical testing. Allele origin: germline. Affected: yes.
Comment: This variant is considered likely benign or benign based on one or more of the following criteria: it is a conservative change, it occurs at a poorly conserved position in the protein, it is predicted to be benign by multiple in silico algorithms, and/or has population frequency not consistent with disease.

Color Diagnostics, LLC DBA Color Health
Classification: Likely benign for Hereditary cancer-predisposing syndrome. Last evaluated: 2016-04-26. Review status: criteria provided, single submitter. Criteria: ACMG Guidelines, 2015. Collection method: clinical testing. Allele origin: germline.

Ambry Genetics
Classification: Likely benign for Hereditary cancer-predisposing syndrome. Last evaluated: 2015-11-12. Review status: criteria provided, single submitter. Criteria: Ambry Variant Classification Scheme 2023. Collection method: clinical testing. Allele origin: germline.

PreventionGenetics, part of Exact Sciences
Classification: Likely benign for CDH1-related condition. Last evaluated: 2024-03-24. Review status: no assertion criteria provided. Collection method: clinical testing. Allele origin: germline. Not counted in ClinVar's aggregate classification.
Comment: This variant is classified as likely benign based on ACMG/AMP sequence variant interpretation guidelines (Richards et al. 2015 PMID: 25741868, with internal and published modifications).